The following is an entry in ClinVar:

NM_003036.4(SKI):c.23G>A (p.Arg8His)

Gene: SKI (SKI proto-oncogene; plus strand). Cytogenetic location: 1p36.33.
Variant type: single nucleotide variant.
Coding change: c.23G>A on transcript NM_003036.4 (MANE Select); coding-DNA position 23, G replaced by A.
Protein change: p.Arg8His; replaces arginine 8 with histidine.
Molecular consequence: missense variant.
Genome position (GRCh38, 1-based): chr1:2,228,789, G>A. VCF-style: chr1-2228789-G-A. GRCh37 (hg19) VCF-style: chr1-2160228-G-A.
Other names: short protein forms R8H.
Identifiers: ClinVar variation 4165711 (VCV004165711.1).

ClinVar aggregate classification (germline): Uncertain significance (1 of 4 stars; one submission).

Conditions:
Familial thoracic aortic aneurysm and aortic dissection (TAAD). Also called: Thoracic aortic aneurysms and dissections. Identifiers: Orphanet 91387, MedGen C4707243, MONDO:0019625.

Submission:

Ambry Genetics
Classification: Uncertain significance for Familial thoracic aortic aneurysm and aortic dissection. Last evaluated: 2025-06-22. Review status: criteria provided, single submitter. Criteria: Ambry Variant Classification Scheme 2023. Collection method: clinical testing. Allele origin: germline.
Comment: The p.R8H variant (also known as c.23G>A), located in coding exon 1 of the SKI gene, results from a G to A substitution at nucleotide position 23. The arginine at codon 8 is replaced by histidine, an amino acid with highly similar properties. This amino acid position is conserved. In addition, the in silico prediction for this alteration is inconclusive. Based on the available evidence, the clinical significance of this variant remains unclear.